The following is an entry in ClinVar:

ClinVar aggregate classification (germline): Uncertain significance (1 of 4 stars; one submission).

Conditions:
Aspartylglucosaminuria (AGU). Also called: AGA DEFICIENCY; GLYCOASPARAGINASE; GLYCOSYLASPARAGINASE DEFICIENCY; Aspartylglucos-aminuria; Aspartylglucos-amidase (AGA) deficiency. Identifiers: Orphanet 93, MedGen C0268225, MONDO:0008830, OMIM 208400, HP:0012068.

Allele frequency attached by ClinVar (database versions not stated): gnomAD exomes below 0.00001 and 0.00001; ExAC 0.00001; gnomAD 0.00001; TOPMed 0.00001.
gnomAD v4.1: 14 of 1,614,006 alleles (0.00087%); highest among the groups gnomAD compares: East Asian, 0.0045%; no homozygotes.

Submission:

Labcorp Genetics (formerly Invitae), Labcorp
Classification: Uncertain significance for Aspartylglucosaminuria. Last evaluated: 2022-01-14. Review status: criteria provided, single submitter. Criteria: Invitae Variant Classification Sherloc (09022015). Collection method: clinical testing. Allele origin: germline.
Comment: This sequence change replaces proline, which is neutral and non-polar, with leucine, which is neutral and non-polar, at codon 13 of the AGA protein (p.Pro13Leu). This variant is present in population databases (rs759832068, gnomAD 0.0009%). This variant has not been reported in the literature in individuals affected with AGA-related conditions. Algorithms developed to predict the effect of missense changes on protein structure and function output the following: SIFT: "Tolerated"; PolyPhen-2: "Benign"; Align-GVGD: "Class C0". The leucine amino acid residue is found in multiple mammalian species, which suggests that this missense change does not adversely affect protein function. In summary, the available evidence is currently insufficient to determine the role of this variant in disease. Therefore, it has been classified as a Variant of Uncertain Significance.

NM_000027.4(AGA):c.38C>T (p.Pro13Leu)

Gene: AGA (aspartylglucosaminidase; minus strand). Cytogenetic location: 4q34.3.
Variant type: single nucleotide variant.
Coding change: c.38C>T on transcript NM_000027.4 (MANE Select); coding-DNA position 38, C replaced by T.
Protein change: p.Pro13Leu; replaces proline 13 with leucine.
Molecular consequence: missense variant. On other transcripts: non-coding transcript variant (1).
Genome position (GRCh38, 1-based): chr4:177,442,338, G>A on the plus strand (C>T on the coding strand, the complement: AGA is on the minus strand). VCF-style: chr4-177442338-G-A. GRCh37 (hg19) VCF-style: chr4-178363492-G-A.
Other names: c.38C>T, p.Pro13Leu (NM_001171988.2); short protein forms P13L.
Identifiers: ClinVar variation 1372697 (VCV001372697.5), dbSNP rs759832068, ClinGen allele CA3147070.